The following is an entry in ClinVar:

ClinVar aggregate classification (germline): Uncertain significance (1 of 4 stars; one submission).

Conditions:
Leukocyte adhesion deficiency 3. Also called: Leukocyte adhesion deficiency, type III; INTEGRIN ACTIVATION DEFICIENCY DISEASE; LEUKOCYTE ADHESION DEFICIENCY 1 VARIANT. Identifiers: Orphanet 2968, Orphanet 99844, MedGen C2748536, MONDO:0013016, OMIM 612840.

Allele frequency attached by ClinVar (database versions not stated): ExAC 0.00001; gnomAD exomes 0.00001.

Submission:

Labcorp Genetics (formerly Invitae), Labcorp
Classification: Uncertain significance for Leukocyte adhesion deficiency 3. Last evaluated: 2021-10-09. Review status: criteria provided, single submitter. Criteria: Invitae Variant Classification Sherloc (09022015). Collection method: clinical testing. Allele origin: germline.
Comment: In summary, the available evidence is currently insufficient to determine the role of this variant in disease. Therefore, it has been classified as a Variant of Uncertain Significance. Algorithms developed to predict the effect of missense changes on protein structure and function are either unavailable or do not agree on the potential impact of this missense change (SIFT: "Deleterious"; PolyPhen-2: "Probably Damaging"; Align-GVGD: "Class C0"). This variant has not been reported in the literature in individuals affected with FERMT3-related conditions. This variant is present in population databases (rs772177008, ExAC 0.002%). This sequence change replaces phenylalanine with cysteine at codon 416 of the FERMT3 protein (p.Phe416Cys). The phenylalanine residue is moderately conserved and there is a large physicochemical difference between phenylalanine and cysteine.

NM_031471.6(FERMT3):c.1247T>G (p.Phe416Cys)

Gene: FERMT3 (FERM domain containing kindlin 3; plus strand). Cytogenetic location: 11q13.1.
Variant type: single nucleotide variant.
Coding change: c.1247T>G on transcript NM_031471.6 (MANE Select); coding-DNA position 1247, T replaced by G.
Protein change: p.Phe416Cys; replaces phenylalanine 416 with cysteine.
Molecular consequence: missense variant.
Genome position (GRCh38, 1-based): chr11:64,220,262, T>G. VCF-style: chr11-64220262-T-G. GRCh37 (hg19) VCF-style: chr11-63987734-T-G.
Other names: c.1247T>G, p.Phe416Cys (NM_001382361.1, NM_001382448.1); c.1259T>G, p.Phe420Cys (NM_001382362.1, NM_178443.3); c.707T>G, p.Phe236Cys (NM_001382363.1); c.719T>G, p.Phe240Cys (NM_001382364.1); short protein forms F240C, F420C, F236C, F416C.
Identifiers: ClinVar variation 1349732 (VCV001349732.5), dbSNP rs772177008, ClinGen allele CA6069096.
Genomic context (GRCh38, chr11:64,220,262, plus strand): 5'-CCCCTTCTCTCCCTCCAGGCTGTGAGGTGGTTCCCGATGTTAACGTCTCCGGCCAGAAGT[T>G]CTGCATTAAACTCCTAGTGCCCTCCCCTGAGGGCATGAGTGAGATCTACCTGCGGTGCCA-3'
Protein context (NP_113659.3, residues 406-426): VPDVNVSGQK[Phe416Cys]CIKLLVPSPE